The following is an entry in ClinVar:

NM_020975.6(RET):c.3298A>G (p.Met1100Val)

Gene: RET (ret proto-oncogene; plus strand). Cytogenetic location: 10q11.21.
Variant type: single nucleotide variant.
Coding change: c.3298A>G on transcript NM_020975.6 (MANE Select); coding-DNA position 3298, A replaced by G.
Protein change: p.Met1100Val; replaces methionine 1100 with valine.
Molecular consequence: missense variant.
Genome position (GRCh38, 1-based): chr10:43,128,222, A>G. VCF-style: chr10-43128222-A-G. GRCh37 (hg19) VCF-style: chr10-43623670-A-G.
Other names: short protein forms M1100V.
Identifiers: ClinVar variation 1525849 (VCV001525849.9), dbSNP rs2133049527, ClinGen allele CA376559199.

ClinVar aggregate classification (germline): Uncertain significance. Review status: criteria provided, multiple submitters, no conflicts (2 of 4 stars). 2 submissions from 2 submitters: Uncertain significance (2). Last evaluated 2024-07-13.

Conditions:
Multiple endocrine neoplasia, type 2 (MEN2). Identifiers: Orphanet 653, MedGen C4048306, MONDO:0019003. Disease mechanism: gain of function.
Hereditary cancer-predisposing syndrome. Also called: Neoplastic Syndromes, Hereditary; Hereditary Cancer Syndrome; Tumor predisposition; Hereditary neoplastic syndrome. Identifiers: Orphanet 140162, MedGen C0027672, MeSH D009386, MONDO:0015356.

Submissions (2):

Labcorp Genetics (formerly Invitae), Labcorp
Classification: Uncertain significance for Multiple endocrine neoplasia, type 2. Last evaluated: 2024-07-13. Review status: criteria provided, single submitter. Criteria: Invitae Variant Classification Sherloc (09022015). Collection method: clinical testing. Allele origin: germline.
Comment: This sequence change replaces methionine, which is neutral and non-polar, with valine, which is neutral and non-polar, at codon 1100 of the RET protein (p.Met1100Val). This variant is not present in population databases (gnomAD no frequency). This variant has not been reported in the literature in individuals affected with RET-related conditions. ClinVar contains an entry for this variant (Variation ID: 1525849). An algorithm developed to predict the effect of missense changes on protein structure and function (PolyPhen-2) suggests that this variant is likely to be disruptive. Algorithms developed to predict the effect of sequence changes on RNA splicing suggest that this variant may disrupt the consensus splice site. In summary, the available evidence is currently insufficient to determine the role of this variant in disease. Therefore, it has been classified as a Variant of Uncertain Significance.

Ambry Genetics
Classification: Uncertain significance for Hereditary cancer-predisposing syndrome. Last evaluated: 2021-12-02. Review status: criteria provided, single submitter. Criteria: Ambry Variant Classification Scheme 2023. Collection method: clinical testing. Allele origin: germline.
Comment: The p.M1100V variant (also known as c.3298A>G), located in coding exon 20 of the RET gene, results from an A to G substitution at nucleotide position 3298. The methionine at codon 1100 is replaced by valine, an amino acid with highly similar properties. This amino acid position is highly conserved in available vertebrate species. In addition, the in silico prediction for this alteration is inconclusive. Since supporting evidence is limited at this time, the clinical significance of this alteration remains unclear.